The following is an entry in ClinVar:

NM_000722.4(CACNA2D1):c.836T>C (p.Met279Thr)

Gene: CACNA2D1 (calcium voltage-gated channel auxiliary subunit alpha2delta 1; minus strand). Cytogenetic location: 7q21.11.
Variant type: single nucleotide variant.
Coding change: c.836T>C on transcript NM_000722.4 (MANE Select); coding-DNA position 836, T replaced by C.
Protein change: p.Met279Thr; replaces methionine 279 with threonine.
Molecular consequence: missense variant.
Genome position (GRCh38, 1-based): chr7:82,060,471, A>G on the plus strand (T>C on the coding strand, the complement: CACNA2D1 is on the minus strand). VCF-style: chr7-82060471-A-G. GRCh37 (hg19) VCF-style: chr7-81689787-A-G.
Other names: c.836T>C, p.Met279Thr (NM_001302890.2, NM_001366867.1); short protein forms M279T.
Identifiers: ClinVar variation 3008365 (VCV003008365.3), dbSNP rs2486042394, ClinGen allele CA368016208.

ClinVar aggregate classification (germline): Uncertain significance (1 of 4 stars; one submission).

Conditions:
Brugada syndrome. Also called: Sudden unexpected nocturnal death syndrome; Sudden unexplained nocturnal death syndrome; Sudden Unexplained Death Syndrome; Sudden Unexplained Nocturnal Death Syndrome (SUNDS). Identifiers: Orphanet 130, MedGen C1142166, MONDO:0015263.

Allele frequency attached by ClinVar (database versions not stated): gnomAD exomes below 0.00001.
gnomAD v4.1: 3 of 1,610,418 alleles (0.00019%); highest among the groups gnomAD compares: Non-Finnish European, 0.00017%; no homozygotes.

Submission:

Labcorp Genetics (formerly Invitae), Labcorp
Classification: Uncertain significance for Brugada syndrome. Last evaluated: 2022-11-17. Review status: criteria provided, single submitter. Criteria: Invitae Variant Classification Sherloc (09022015). Collection method: clinical testing. Allele origin: germline.
Comment: In summary, the available evidence is currently insufficient to determine the role of this variant in disease. Therefore, it has been classified as a Variant of Uncertain Significance. Algorithms developed to predict the effect of missense changes on protein structure and function (SIFT, PolyPhen-2, Align-GVGD) all suggest that this variant is likely to be disruptive. This variant has not been reported in the literature in individuals affected with CACNA2D1-related conditions. This variant is not present in population databases (gnomAD no frequency). This sequence change replaces methionine, which is neutral and non-polar, with threonine, which is neutral and polar, at codon 279 of the CACNA2D1 protein (p.Met279Thr).